The following is an entry in ClinVar:

ClinVar aggregate classification (germline): Uncertain significance. Review status: criteria provided, multiple submitters, no conflicts (2 of 4 stars). 2 submissions from 2 submitters: Uncertain significance (2). Last evaluated 2022-04-16.

Allele frequency attached by ClinVar (database versions not stated): gnomAD 0.00004; TOPMed 0.00004.
gnomAD v4.1: 20 of 1,502,882 alleles (0.0013%); highest among the groups gnomAD compares: Admixed American, 0.0039%; no homozygotes.

Submissions (2):

Labcorp Genetics (formerly Invitae), Labcorp
Classification: Uncertain significance. Last evaluated: 2022-04-16. Review status: criteria provided, single submitter. Criteria: Invitae Variant Classification Sherloc (09022015). Collection method: clinical testing. Allele origin: germline.
Comment: In summary, the available evidence is currently insufficient to determine the role of this variant in disease. Therefore, it has been classified as a Variant of Uncertain Significance. Algorithms developed to predict the effect of missense changes on protein structure and function output the following: SIFT: "Deleterious"; PolyPhen-2: "Benign"; Align-GVGD: "Class C0". The valine amino acid residue is found in multiple mammalian species, which suggests that this missense change does not adversely affect protein function. This variant has not been reported in the literature in individuals affected with DNAH9-related conditions. This variant is present in population databases (rs758636541, gnomAD 0.007%). This sequence change replaces leucine, which is neutral and non-polar, with valine, which is neutral and non-polar, at codon 136 of the DNAH9 protein (p.Leu136Val).

Blueprint Genetics
Classification: Uncertain significance. Last evaluated: 2021-08-25. Review status: criteria provided, single submitter. Criteria: ACMG Guidelines, 2015. Collection method: clinical testing. Allele origin: germline.

NM_001372.4(DNAH9):c.406C>G (p.Leu136Val)

Gene: DNAH9 (dynein axonemal heavy chain 9; plus strand). Cytogenetic location: 17p12.
Variant type: single nucleotide variant.
Coding change: c.406C>G on transcript NM_001372.4 (MANE Select); coding-DNA position 406, C replaced by G.
Protein change: p.Leu136Val; replaces leucine 136 with valine.
Molecular consequence: missense variant.
Genome position (GRCh38, 1-based): chr17:11,598,904, C>G. VCF-style: chr17-11598904-C-G. GRCh37 (hg19) VCF-style: chr17-11502221-C-G.
Other names: short protein forms L136V.
Identifiers: ClinVar variation 2201350 (VCV002201350.5), dbSNP rs758636541, ClinGen allele CA8394509.